The following is an entry in ClinVar:

NM_005901.6(SMAD2):c.358C>T (p.Arg120Ter)

Gene: SMAD2 (SMAD family member 2; minus strand). Cytogenetic location: 18q21.1.
Variant type: single nucleotide variant.
Coding change: c.358C>T on transcript NM_005901.6 (MANE Select); coding-DNA position 358, C replaced by T.
Protein change: p.Arg120Ter; replaces arginine 120 with a stop codon.
Molecular consequence: nonsense.
Genome position (GRCh38, 1-based): chr18:47,869,405, G>A on the plus strand (C>T on the coding strand, the complement: SMAD2 is on the minus strand). VCF-style: chr18-47869405-G-A. GRCh37 (hg19) VCF-style: chr18-45395776-G-A.
Other names: c.358C>T, p.Arg120Ter (NM_001003652.4); c.268C>T, p.Arg90Ter (NM_001135937.3); short protein forms R120*, R90*.
Identifiers: ClinVar variation 2507171 (VCV002507171.9), dbSNP rs1305523001, ClinGen allele CA402502183.
Genomic context (GRCh38, chr18:47,869,405, plus strand): 5'-GACTGTGAAGATCAGGCCAGCGCCATAATCGGCAATATATAACATGTGGCAATCCTTTTC[G>A]ATGGGATACCTGGAGACGACCATCAAGAGACCTGTTGGGAAGCAAGGGGAAAAGAAAGGA-3'

ClinVar aggregate classification (germline): Pathogenic/Likely pathogenic. Review status: criteria provided, multiple submitters, no conflicts (2 of 4 stars). 4 submissions from 4 submitters: Pathogenic (2); Likely pathogenic (2). Last evaluated 2025-11-17.

Submissions (4):

GeneDx
Classification: Pathogenic. Last evaluated: 2025-11-17. Review status: criteria provided, single submitter. Criteria: GeneDx Variant Classification Process June 2021. Collection method: clinical testing. Allele origin: germline. Affected: yes.
Comment: Nonsense variant predicted to result in protein truncation or nonsense mediated decay in a gene for which loss of function is a known mechanism of disease; Not observed at significant frequency in large population cohorts (gnomAD); Has not been previously published as pathogenic or benign to our knowledge

Labcorp Genetics (formerly Invitae), Labcorp
Classification: Pathogenic. Last evaluated: 2025-10-07. Review status: criteria provided, single submitter. Criteria: Invitae Variant Classification Sherloc (09022015). Collection method: clinical testing. Allele origin: germline.
Comment: This sequence change creates a premature translational stop signal (p.Arg120*) in the SMAD2 gene. It is expected to result in an absent or disrupted protein product. Loss-of-function variants in SMAD2 are known to be pathogenic (PMID: 30157302, 40028843). This variant is not present in population databases (gnomAD no frequency). This variant has not been reported in the literature in individuals affected with SMAD2-related conditions. ClinVar contains an entry for this variant (Variation ID: 2507171). For these reasons, this variant has been classified as Pathogenic.

Revvity Omics, Revvity
Classification: Likely pathogenic. Last evaluated: 2024-06-14. Review status: criteria provided, single submitter. Criteria: ACMG Guidelines, 2015. Collection method: clinical testing. Allele origin: germline.

Institute for Clinical Genetics, University Hospital TU Dresden, University Hospital TU Dresden
Classification: Likely pathogenic. Last evaluated: 2021-10-27. Review status: criteria provided, single submitter. Criteria: ACMG Guidelines, 2015. Collection method: clinical testing. Allele origin: paternal.

Literature cited by the submitters: PubMed 30157302 (cited by Labcorp Genetics (formerly Invitae), Labcorp); PubMed 40028843 (cited by Labcorp Genetics (formerly Invitae), Labcorp).